The following is an entry in ClinVar:

ClinVar aggregate classification (germline): Uncertain significance (1 of 4 stars; one submission).

Submission:

GeneDx
Classification: Uncertain significance. Last evaluated: 2025-08-12. Review status: criteria provided, single submitter. Criteria: GeneDx Variant Classification Process June 2021. Collection method: clinical testing. Allele origin: germline. Affected: yes.
Comment: Not observed at significant frequency in large population cohorts (gnomAD); In silico analysis suggests that this missense variant does not alter protein structure/function; Has not been previously published as pathogenic or benign to our knowledge

NM_014991.6(WDFY3):c.419C>G (p.Thr140Ser)

Gene: WDFY3 (WD repeat and FYVE domain containing 3; minus strand). Cytogenetic location: 4q21.23.
Variant type: single nucleotide variant.
Coding change: c.419C>G on transcript NM_014991.6 (MANE Select); coding-DNA position 419, C replaced by G.
Protein change: p.Thr140Ser; replaces threonine 140 with serine.
Molecular consequence: missense variant.
Genome position (GRCh38, 1-based): chr4:84,837,086, G>C on the plus strand (C>G on the coding strand, the complement: WDFY3 is on the minus strand). VCF-style: chr4-84837086-G-C. GRCh37 (hg19) VCF-style: chr4-85758239-G-C.
Other names: short protein forms T140S.
Identifiers: ClinVar variation 4795290 (VCV004795290.1).